The following is an entry in ClinVar:

ClinVar aggregate classification (germline): Likely benign. Review status: criteria provided, multiple submitters, no conflicts (2 of 4 stars). 2 submissions from 2 submitters: Likely benign (2). Last evaluated 2025-07-14.

Conditions:
Cortical dysplasia-focal epilepsy syndrome (PTHSL1). Also called: Pitt-Hopkins-like syndrome 1. Identifiers: Orphanet 163681, Orphanet 221150, MedGen C2750246, MONDO:0012400, OMIM 610042.

gnomAD v4.1: 3 of 1,608,250 alleles (0.00019%); highest among the groups gnomAD compares: African/African-American, 0.004%; no homozygotes.

Submissions (2):

Labcorp Genetics (formerly Invitae), Labcorp
Classification: Likely benign for Cortical dysplasia-focal epilepsy syndrome. Last evaluated: 2025-07-14. Review status: criteria provided, single submitter. Criteria: Invitae Variant Classification Sherloc (09022015). Collection method: clinical testing. Allele origin: germline.

GeneDx
Classification: Likely benign. Last evaluated: 2016-06-19. Review status: criteria provided, single submitter. Criteria: GeneDx Variant Classification (06012015). Collection method: clinical testing. Allele origin: germline. Affected: yes.
Comment: This variant is considered likely benign or benign based on one or more of the following criteria: it is a conservative change, it occurs at a poorly conserved position in the protein, it is predicted to be benign by multiple in silico algorithms, and/or has population frequency not consistent with disease.

NM_014141.6(CNTNAP2):c.3247+16C>A

Gene: CNTNAP2 (contactin associated protein 2; plus strand). Cytogenetic location: 7q36.1.
Variant type: single nucleotide variant.
Coding change: c.3247+16C>A on transcript NM_014141.6 (MANE Select); 16 bases into the intron after coding-DNA position 3247, C replaced by A.
Molecular consequence: intron variant.
Genome position (GRCh38, 1-based): chr7:148,217,540, C>A. VCF-style: chr7-148217540-C-A. GRCh37 (hg19) VCF-style: chr7-147914632-C-A.
Identifiers: ClinVar variation 386982 (VCV000386982.4), dbSNP rs370512570, ClinGen allele CA16605156.